The following is an entry in ClinVar:

NM_014252.4(SLC25A15):c.*2438G>A

Gene: SLC25A15 (solute carrier family 25 member 15; plus strand). Cytogenetic location: 13q14.11.
Variant type: single nucleotide variant.
Coding change: c.*2438G>A on transcript NM_014252.4 (MANE Select); 2438 bases downstream of the stop codon, G replaced by A.
Molecular consequence: 3 prime UTR variant.
Genome position (GRCh38, 1-based): chr13:40,812,105, G>A. VCF-style: chr13-40812105-G-A. GRCh37 (hg19) VCF-style: chr13-41386241-G-A.
Identifiers: ClinVar variation 882436 (VCV000882436.4), dbSNP rs181523869, ClinGen allele CA248350478.

ClinVar aggregate classification (germline): Likely benign (1 of 4 stars; one submission).

Conditions:
Hyperornithinemia-hyperammonemia-homocitrullinuria syndrome (HHHS). Also called: Ornithine translocase deficiency; HHH SYNDROME. Identifiers: Orphanet 415, MedGen C0268540, MONDO:0009393, OMIM 238970.

Allele frequency attached by ClinVar (database versions not stated): 1000 Genomes Project 0.00060; 1000 Genomes Project 30x 0.00062; TOPMed 0.00076.
gnomAD v4.1: 120 of 152,296 alleles (0.079%); highest among the groups gnomAD compares: Middle Eastern, 0.34%; no homozygotes.

Submission:

Illumina Laboratory Services, Illumina
Classification: Likely benign for Hyperornithinemia-hyperammonemia-homocitrullinuria syndrome. Last evaluated: 2018-01-13. Review status: criteria provided, single submitter. Criteria: ICSL Variant Classification Criteria 13 December 2019. Collection method: clinical testing. Allele origin: germline.
Comment: This variant was observed in the ICSL laboratory as part of a predisposition screen in an ostensibly healthy population. It had not been previously curated by ICSL or reported in the Human Gene Mutation Database (HGMD: prior to June 1st, 2018), and was therefore a candidate for classification through an automated scoring system. Utilizing variant allele frequency, disease prevalence and penetrance estimates, and inheritance mode, an automated score was calculated to assess if this variant is too frequent to cause the disease. Based on the score and internal cut-off values, a variant classified as likely benign is not then subjected to further curation. The score for this variant resulted in a classification of likely benign for this disease.